The following is an entry in ClinVar:

ClinVar aggregate classification (germline): Pathogenic (1 of 4 stars; one submission).

Conditions:
Sandhoff disease. Also called: Beta-hexosaminidase-beta-subunit deficiency; GM2 gangliosidosis, type 2; Total hexosaminidase deficiency; Sandhoff-Jatzkewitz-Pilz disease; GM2-GANGLIOSIDOSIS, TYPE II; HEXOSAMINIDASES A AND B DEFICIENCY. Identifiers: Orphanet 796, MedGen C0036161, MONDO:0010006, OMIM 268800.

Submission:

Labcorp Genetics (formerly Invitae), Labcorp
Classification: Pathogenic for Sandhoff disease. Last evaluated: 2021-08-02. Review status: criteria provided, single submitter. Criteria: Invitae Variant Classification Sherloc (09022015). Collection method: clinical testing. Allele origin: germline.
Comment: A gross deletion of the genomic region encompassing the full coding sequence of the HEXB gene has been identified. The boundaries of this event are unknown as the deletion extends beyond the assayed region for this gene and therefore may encompass additional genes. This variant has not been reported in the literature in individuals with HEXB-related conditions. Loss-of-function variants in HEXB are known to be pathogenic (PMID: 7550345, 18758829). For these reasons, this variant has been classified as Pathogenic.

Literature cited by the submitters: PubMed 7550345; PubMed 18758829.

NC_000005.9:g.(?_73980960)_(74041702_?)del

Genes: GFM2 (GTP dependent ribosome recycling factor mitochondrial 2; minus strand), HEXB (hexosaminidase subunit beta; plus strand). Cytogenetic location: 5q13.3.
Variant type: Deletion.
Identifiers: ClinVar variation 2423202 (VCV002423202.3).